The following is an entry in ClinVar:

ClinVar aggregate classification (germline): Uncertain significance. Review status: criteria provided, single submitter (1 of 4 stars). 2 submissions from 2 submitters: Uncertain significance (1). 1 of the submissions does not count toward it. Last evaluated 2022-06-19.

Conditions:
GRACILE syndrome (FLNMS). Also called: FELLMAN SYNDROME; FINNISH LETHAL NEONATAL METABOLIC SYNDROME. Identifiers: Orphanet 53693, MedGen C1864002, MONDO:0011308, OMIM 603358.

gnomAD v4.1: 6 of 1,614,126 alleles (0.00037%); highest among the groups gnomAD compares: Non-Finnish European, 0.00051%; no homozygotes.

Submissions (2):

Labcorp Genetics (formerly Invitae), Labcorp
Classification: Uncertain significance. Last evaluated: 2022-06-19. Review status: criteria provided, single submitter. Criteria: Invitae Variant Classification Sherloc (09022015). Collection method: clinical testing. Allele origin: germline.
Comment: This sequence change replaces tryptophan, which is neutral and slightly polar, with cysteine, which is neutral and slightly polar, at codon 62 of the BCS1L protein (p.Trp62Cys). This variant is not present in population databases (gnomAD no frequency). This variant has not been reported in the literature in individuals affected with BCS1L-related conditions. Advanced modeling of protein sequence and biophysical properties (such as structural, functional, and spatial information, amino acid conservation, physicochemical variation, residue mobility, and thermodynamic stability) performed at Invitae indicates that this missense variant is expected to disrupt BCS1L protein function. In summary, the available evidence is currently insufficient to determine the role of this variant in disease. Therefore, it has been classified as a Variant of Uncertain Significance.

Natera, Inc.
Classification: Uncertain significance for GRACILE syndrome. Last evaluated: 2025-04-25. Review status: no assertion criteria provided. Collection method: clinical testing. Allele origin: germline. Not counted in ClinVar's aggregate classification.

NM_001079866.2(BCS1L):c.186G>C (p.Trp62Cys)

Gene: BCS1L (BCS1 ubiquinol-cytochrome c reductase complex chaperone; plus strand). Cytogenetic location: 2q35.
Variant type: single nucleotide variant.
Coding change: c.186G>C on transcript NM_001079866.2 (MANE Select); coding-DNA position 186, G replaced by C.
Protein change: p.Trp62Cys; replaces tryptophan 62 with cysteine.
Molecular consequence: missense variant. On other transcripts: 5 prime UTR variant (5), non-coding transcript variant (1), intron variant (3).
Genome position (GRCh38, 1-based): chr2:218,661,173, G>C. VCF-style: chr2-218661173-G-C. GRCh37 (hg19) VCF-style: chr2-219525896-G-C.
Other names: c.186G>C, p.Trp62Cys (NM_001257342.2, NM_001257343.2, NM_001257344.2 and 10 more transcripts); c.-291G>C (NM_001371453.1, NM_001371454.1, NM_001371455.1 and 2 more transcripts); c.-40-233G>C (NM_001371451.1, NM_001318836.2); c.-41-586G>C (NM_001371452.1); short protein forms W62C.
Identifiers: ClinVar variation 1986475 (VCV001986475.2), dbSNP rs938494467, ClinGen allele CA350625810.